The following is an entry in ClinVar:

NM_001009944.3(PKD1):c.6854A>G (p.Asn2285Ser)

Gene: PKD1 (polycystin 1, transient receptor potential channel interacting; minus strand). Cytogenetic location: 16p13.3.
Variant type: single nucleotide variant.
Coding change: c.6854A>G on transcript NM_001009944.3 (MANE Select); coding-DNA position 6854, A replaced by G.
Protein change: p.Asn2285Ser; replaces asparagine 2285 with serine.
Molecular consequence: missense variant.
Genome position (GRCh38, 1-based): chr16:2,108,313, T>C on the plus strand (A>G on the coding strand, the complement: PKD1 is on the minus strand). VCF-style: chr16-2108313-T-C. GRCh37 (hg19) VCF-style: chr16-2158314-T-C.
Other names: c.6854A>G, p.Asn2285Ser (NM_000296.4); short protein forms N2285S.
Identifiers: ClinVar variation 3418999 (VCV003418999.2).

ClinVar aggregate classification (germline): Uncertain significance. Review status: criteria provided, multiple submitters, no conflicts (2 of 4 stars). 2 submissions from 2 submitters: Uncertain significance (2). Last evaluated 2026-05-15.

Conditions:
Inborn genetic diseases. Identifiers: MedGen C0950123, MeSH D030342.
PKD1-related disorder. Also called: PKD1-related condition.

gnomAD v4.1: 18 of 1,602,684 alleles (0.0011%); highest among the groups gnomAD compares: South Asian, 0.013%; 2 homozygotes.

Submissions (2):

PreventionGenetics, part of Exact Sciences
Classification: Uncertain significance for PKD1-related condition. Last evaluated: 2026-05-15. Review status: criteria provided, single submitter. Criteria: ACMG Guidelines, 2015. Collection method: clinical testing. Allele origin: germline.
Comment: The PKD1 c.6854A>G variant is predicted to result in the amino acid substitution p.Asn2285Ser. To our knowledge, this variant has not been reported in the literature. This variant is reported in 0.023% of alleles in individuals of South Asian descent in gnomAD including one homozygous individual. Although we suspect that this variant may be benign, at this time, the clinical significance of this variant is uncertain due to the absence of conclusive functional and genetic evidence.

Ambry Genetics
Classification: Uncertain significance for Inborn genetic diseases. Last evaluated: 2024-09-11. Review status: criteria provided, single submitter. Criteria: Ambry Variant Classification Scheme 2023. Collection method: clinical testing. Allele origin: germline.